The following is an entry in ClinVar:

ClinVar aggregate classification (germline): Uncertain significance (1 of 4 stars; one submission).

Conditions:
Hereditary cancer-predisposing syndrome. Also called: Tumor predisposition; Neoplastic Syndromes, Hereditary; Hereditary Cancer Syndrome; Hereditary neoplastic syndrome. Identifiers: Orphanet 140162, MedGen C0027672, MeSH D009386, MONDO:0015356.

gnomAD v4.1: 1 of 1,614,142 alleles (0.000062%); highest among the groups gnomAD compares: South Asian, 0.0011%; no homozygotes.

Submission:

Ambry Genetics
Classification: Uncertain significance for Hereditary cancer-predisposing syndrome. Last evaluated: 2024-12-04. Review status: criteria provided, single submitter. Criteria: Ambry Variant Classification Scheme 2023. Collection method: clinical testing. Allele origin: germline.
Comment: The p.I542T variant (also known as c.1625T>C), located in coding exon 11 of the CDH1 gene, results from a T to C substitution at nucleotide position 1625. The isoleucine at codon 542 is replaced by threonine, an amino acid with similar properties. This amino acid position is conserved. In addition, this alteration is predicted to be deleterious by in silico analysis. Based on the available evidence, the clinical significance of this variant remains unclear.

NM_004360.5(CDH1):c.1625T>C (p.Ile542Thr)

Gene: CDH1 (cadherin 1; plus strand). Cytogenetic location: 16q22.1.
Variant type: single nucleotide variant.
Coding change: c.1625T>C on transcript NM_004360.5 (MANE Select); coding-DNA position 1625, T replaced by C.
Protein change: p.Ile542Thr; replaces isoleucine 542 with threonine.
Molecular consequence: missense variant. On other transcripts: intron variant (1).
Genome position (GRCh38, 1-based): chr16:68,819,339, T>C. VCF-style: chr16-68819339-T-C. GRCh37 (hg19) VCF-style: chr16-68853242-T-C.
Other names: c.-254-2662T>C (NM_001317186.2); c.1442T>C, p.Ile481Thr (NM_001317184.2); c.77T>C, p.Ile26Thr (NM_001317185.2); short protein forms I26T, I542T, I481T.
Identifiers: ClinVar variation 3488694 (VCV003488694.1).